The following is an entry in ClinVar:

NM_001365951.3(KIF1B):c.2537A>G (p.Lys846Arg)

Gene: KIF1B (kinesin family member 1B; plus strand). Cytogenetic location: 1p36.22.
Variant type: single nucleotide variant.
Coding change: c.2537A>G on transcript NM_001365951.3 (MANE Select); coding-DNA position 2537, A replaced by G.
Protein change: p.Lys846Arg; replaces lysine 846 with arginine.
Molecular consequence: missense variant.
Genome position (GRCh38, 1-based): chr1:10,324,062, A>G. VCF-style: chr1-10324062-A-G. GRCh37 (hg19) VCF-style: chr1-10384120-A-G.
Other names: c.2537A>G, p.Lys846Arg (NM_001365952.1); c.2399A>G, p.Lys800Arg (NM_015074.3); short protein forms K846R, K800R.
Identifiers: ClinVar variation 1790658 (VCV001790658.2), dbSNP rs1452919273, ClinGen allele CA338335241.

ClinVar aggregate classification (germline): Uncertain significance (1 of 4 stars; one submission).

Submission:

Ambry Genetics
Classification: Uncertain significance. Last evaluated: 2022-01-28. Review status: criteria provided, single submitter. Criteria: Ambry Variant Classification Scheme 2023. Collection method: clinical testing. Allele origin: germline.
Comment: The p.K800R variant (also known as c.2399A>G), located in coding exon 22 of the KIF1B gene, results from an A to G substitution at nucleotide position 2399. The amino acid change results in lysine to arginine at codon 800, an amino acid with highly similar properties. This amino acid position is well conserved in available vertebrate species. In addition, this alteration is predicted to be tolerated by in silico analysis. Since supporting evidence is limited at this time, the clinical significance of this alteration remains unclear.